The following is an entry in ClinVar:

ClinVar aggregate classification (germline): Pathogenic (1 of 4 stars; one submission).

Submission:

Labcorp Genetics (formerly Invitae), Labcorp
Classification: Pathogenic. Last evaluated: 2023-04-24. Review status: criteria provided, single submitter. Criteria: Invitae Variant Classification Sherloc (09022015). Collection method: clinical testing. Allele origin: germline.
Comment: For these reasons, this variant has been classified as Pathogenic. This variant has not been reported in the literature in individuals affected with C1S-related conditions. This variant is not present in population databases (gnomAD no frequency). This sequence change creates a premature translational stop signal (p.Asn27Thrfs*10) in the C1S gene. It is expected to result in an absent or disrupted protein product. Loss-of-function variants in C1S are known to be pathogenic (PMID: 18062908).

Literature cited by the submitters: PubMed 18062908.

NM_001734.5(C1S):c.80del (p.Asn27fs)

Gene: C1S (complement C1s; plus strand). Cytogenetic location: 12p13.31.
Variant type: Deletion.
Coding change: c.80del on transcript NM_001734.5 (MANE Select); coding-DNA position 80, one base deleted (A; older notation c.80delA).
Protein change: p.Asn27fs; shifts the reading frame from asparagine 27.
Molecular consequence: frameshift variant. On other transcripts: intron variant (1).
Genome position (GRCh38, 1-based): chr12:7,062,549, A deleted; the last of 2 consecutive A bases (chr12:7,062,548-7,062,549); deleting either gives the same sequence. VCF-style (leftmost placement, unchanged base first): chr12-7062547-TA-T. GRCh37 (hg19) VCF-style: chr12-7169851-TA-T.
Other names: c.80del, p.Asn27fs (NM_201442.4); c.-288-341del (NM_001346850.2); short protein forms N27fs.
Identifiers: ClinVar variation 2819067 (VCV002819067.3), dbSNP rs2539593127, ClinGen allele CA2739271832.